The following is an entry in ClinVar:

ClinVar aggregate classification (germline): Conflicting classifications of pathogenicity. Review status: criteria provided, conflicting classifications (1 of 4 stars). 4 submissions from 4 submitters: Likely pathogenic (2); Uncertain significance (1). 1 of the submissions does not count toward it. Last evaluated 2024-07-11.

Conditions:
Fanconi anemia (FA). Also called: Fanconi's anemia. Identifiers: Orphanet 84, MedGen C0015625, MeSH D005199, MONDO:0019391.
Fanconi anemia complementation group G. Also called: FANCG-Related Fanconi Anemia; Fanconi anemia group G. Identifiers: Orphanet 84, MedGen C3469527, MONDO:0013565, OMIM 614082.

Submissions (4):

Human Genetics Section, Sidra Medicine
Classification: Likely pathogenic for Fanconi anemia complementation group G. Last evaluated: 2024-07-11. Review status: criteria provided, single submitter. Criteria: ACMG Guidelines, 2015. Collection method: research. Allele origin: germline. Affected: yes. Observed: 1 homozygote.
Comment: The classification was taken from an online resource Clarification (July 23, 2024): Franklin and Varsome were utilized as supplementary tools; however, the patient was diagnosed with Fanconi anemia by a hematologist. Predictive tools indicated that the variant was possibly damaging according to SIFT, damaging according to PolyPhen, and had a CADD score of 25.7. The bone marrow biopsy revealed mildly megaloblastic maturation with no significant dysplasia. Whole Genome Sequencing (WGS) identified a variant explaining the observed phenotypes. We are currently preparing a publication detailing these findings, and the PubMed ID (PMID) will be provided upon release.

Genomic Medicine Center of Excellence, King Faisal Specialist Hospital and Research Centre
Classification: Likely pathogenic for Fanconi anemia complementation group G. Last evaluated: 2024-03-25. Review status: criteria provided, single submitter. Criteria: ACMG Guidelines, 2015. Collection method: clinical testing. Allele origin: germline.

Labcorp Genetics (formerly Invitae), Labcorp
Classification: Uncertain significance for Fanconi anemia. Last evaluated: 2021-08-13. Review status: criteria provided, single submitter. Criteria: Invitae Variant Classification Sherloc (09022015). Collection method: clinical testing. Allele origin: germline.
Comment: This sequence change replaces arginine with glycine at codon 257 of the FANCG protein (p.Arg257Gly). The arginine residue is weakly conserved and there is a moderate physicochemical difference between arginine and glycine. This variant is not present in population databases (ExAC no frequency). This missense change has been observed in individual(s) with FANCG-related conditions (Invitae). Algorithms developed to predict the effect of missense changes on protein structure and function are either unavailable or do not agree on the potential impact of this missense change (SIFT: "Tolerated"; PolyPhen-2: "Possibly Damaging"; Align-GVGD: "Class C0"). Algorithms developed to predict the effect of sequence changes on RNA splicing suggest that this variant may create or strengthen a splice site. In summary, the available evidence is currently insufficient to determine the role of this variant in disease. Therefore, it has been classified as a Variant of Uncertain Significance.

Biochemical Molecular Genetic Laboratory, King Abdulaziz Medical City
Classification: Uncertain significance for Fanconi anemia complementation group G. Last evaluated: 2021-09-06. Review status: no assertion criteria provided. Collection method: clinical testing. Allele origin: germline. Affected: yes. Not counted in ClinVar's aggregate classification.

NM_004629.2(FANCG):c.769C>G (p.Arg257Gly)

Gene: FANCG (FA complementation group G; minus strand). Cytogenetic location: 9p13.3.
Variant type: single nucleotide variant.
Coding change: c.769C>G on transcript NM_004629.2 (MANE Select); coding-DNA position 769, C replaced by G.
Protein change: p.Arg257Gly; replaces arginine 257 with glycine.
Molecular consequence: missense variant.
Genome position (GRCh38, 1-based): chr9:35,076,979, G>C on the plus strand (C>G on the coding strand, the complement: FANCG is on the minus strand). VCF-style: chr9-35076979-G-C. GRCh37 (hg19) VCF-style: chr9-35076976-G-C.
Other names: short protein forms R257G.
Identifiers: ClinVar variation 843989 (VCV000843989.11), dbSNP rs759314410, ClinGen allele CA373313390.
Genomic context (GRCh38, chr9:35,076,979, plus strand): 5'-AGCTATACATAATGCTTGTGGTTTCCCCAATCCACCCTAGGACTGTCTTTACCATCTTAC[G>C]GTGACAGGACCCCAGTGCTGTGTACACCTGGACCAACACAGGCCGTGGACACAGGCCTGA-3'
Protein context (NP_004620.1, residues 247-267): QVYTALGSCH[Arg257Gly]KMGNPQRALL